The following is an entry in ClinVar:

NM_021076.4(NEFH):c.106G>A (p.Gly36Arg)

Gene: NEFH (neurofilament heavy chain; plus strand). Cytogenetic location: 22q12.2.
Variant type: single nucleotide variant.
Coding change: c.106G>A on transcript NM_021076.4 (MANE Select); coding-DNA position 106, G replaced by A.
Protein change: p.Gly36Arg; replaces glycine 36 with arginine.
Molecular consequence: missense variant.
Genome position (GRCh38, 1-based): chr22:29,480,368, G>A. VCF-style: chr22-29480368-G-A. GRCh37 (hg19) VCF-style: chr22-29876357-G-A.
Other names: c.106G>A (NM_021076.3); short protein forms G36R.
Identifiers: ClinVar variation 2877841 (VCV002877841.4), dbSNP rs946135215, ClinGen allele CA323082774.

ClinVar aggregate classification (germline): Uncertain significance. Review status: criteria provided, multiple submitters, no conflicts (2 of 4 stars). 2 submissions from 2 submitters: Uncertain significance (2). Last evaluated 2026-05-22.

Conditions:
NEFH-related disorder. Also called: NEFH-related condition.

Allele frequency attached by ClinVar (database versions not stated): TOPMed 0.00001.

Submissions (2):

PreventionGenetics, part of Exact Sciences
Classification: Uncertain significance for NEFH-related condition. Last evaluated: 2026-05-22. Review status: criteria provided, single submitter. Criteria: ACMG Guidelines, 2015. Collection method: clinical testing. Allele origin: germline.
Comment: The NEFH c.106G>A variant is predicted to result in the amino acid substitution p.Gly36Arg. To our knowledge, this variant has not been reported in the literature or in a large population database (gnomAD), indicating this variant is rare. At this time, the clinical significance of this variant is uncertain due to the absence of conclusive functional and genetic evidence.

Labcorp Genetics (formerly Invitae), Labcorp
Classification: Uncertain significance. Last evaluated: 2023-03-07. Review status: criteria provided, single submitter. Criteria: Invitae Variant Classification Sherloc (09022015). Collection method: clinical testing. Allele origin: germline.
Comment: This sequence change replaces glycine, which is neutral and non-polar, with arginine, which is basic and polar, at codon 36 of the NEFH protein (p.Gly36Arg). In summary, the available evidence is currently insufficient to determine the role of this variant in disease. Therefore, it has been classified as a Variant of Uncertain Significance. Advanced modeling of protein sequence and biophysical properties (such as structural, functional, and spatial information, amino acid conservation, physicochemical variation, residue mobility, and thermodynamic stability) performed at Invitae indicates that this missense variant is not expected to disrupt NEFH protein function. This variant has not been reported in the literature in individuals affected with NEFH-related conditions. This variant is not present in population databases (gnomAD no frequency).